The following is an entry in ClinVar:

ClinVar aggregate classification (germline): Pathogenic/Likely pathogenic. Review status: criteria provided, multiple submitters, no conflicts (2 of 4 stars). 2 submissions from 2 submitters: Pathogenic (1); Likely pathogenic (1). Last evaluated 2025-05-16.

Conditions:
ABCA4-related disorder. Also called: ABCA4-related disorders; ABCA4-related condition. Identifiers: MedGen CN239167.

Allele frequency attached by ClinVar (database versions not stated): gnomAD exomes below 0.00001.
gnomAD v4.1: 2 of 1,614,216 alleles (0.00012%); highest among the groups gnomAD compares: Non-Finnish European, 0.00017%; no homozygotes.

Submissions (2):

Labcorp Genetics (formerly Invitae), Labcorp
Classification: Pathogenic. Last evaluated: 2025-05-16. Review status: criteria provided, single submitter. Criteria: Invitae Variant Classification Sherloc (09022015). Collection method: clinical testing. Allele origin: germline.
Comment: This sequence change replaces glycine, which is neutral and non-polar, with arginine, which is basic and polar, at codon 1653 of the ABCA4 protein (p.Gly1653Arg). This variant is not present in population databases (gnomAD no frequency). This missense change has been observed in individuals with ABCA4-related conditions (PMID: 37705246; internal data). ClinVar contains an entry for this variant (Variation ID: 1515071). Invitae Evidence Modeling of protein sequence and biophysical properties (such as structural, functional, and spatial information, amino acid conservation, physicochemical variation, residue mobility, and thermodynamic stability) indicates that this missense variant is expected to disrupt ABCA4 protein function with a positive predictive value of 95%. This variant disrupts the p.Gly1653 amino acid residue in ABCA4. Other variant(s) that disrupt this residue have been determined to be pathogenic (PMID: 33546218). This suggests that this residue is clinically significant, and that variants that disrupt this residue are likely to be disease-causing. For these reasons, this variant has been classified as Pathogenic.

Blueprint Genetics
Classification: Likely pathogenic for ABCA4-related disorders. Last evaluated: 2024-02-07. Review status: criteria provided, single submitter. Criteria: ACMG Guidelines, 2015. Collection method: clinical testing. Allele origin: germline. Affected: yes. Observed: 2 variant alleles.

Literature cited by the submitters: PubMed 37705246 (cited by Labcorp Genetics (formerly Invitae), Labcorp); PubMed 33546218 (cited by Labcorp Genetics (formerly Invitae), Labcorp).

NM_000350.3(ABCA4):c.4957G>A (p.Gly1653Arg)

Genes: ABCA4 (ATP binding cassette subfamily A member 4; minus strand), LOC126805793 (CDK7 strongly-dependent group 2 enhancer GRCh37_chr1:94486302-94487501; plus strand). Cytogenetic location: 1p22.1.
Variant type: single nucleotide variant.
Coding change: c.4957G>A on transcript NM_000350.3 (MANE Select); coding-DNA position 4957, G replaced by A.
Protein change: p.Gly1653Arg; replaces glycine 1653 with arginine.
Molecular consequence: missense variant.
Genome position (GRCh38, 1-based): chr1:94,021,301, C>T on the plus strand (G>A on the coding strand, the complement: ABCA4 is on the minus strand). VCF-style: chr1-94021301-C-T. GRCh37 (hg19) VCF-style: chr1-94486857-C-T.
Other names: c.4735G>A, p.Gly1579Arg (NM_001425324.1); short protein forms G1653R, G1579R.
Identifiers: ClinVar variation 1515071 (VCV001515071.7), dbSNP rs2101022885, ClinGen allele CA341283014.
Genomic context (GRCh38, chr1:94,021,301, plus strand): 5'-CTGTAATCTCTGAGAGCTGCTCCTTGGTCAGGTTCAGGGGTTGGCTAATGACGGTGATTC[C>T]ATACTCCTCGGGGCTCCTGTCCTTAGGCAGGCTGGCCCGTAAGATGGCGTTGTGGGCCAC-3'
Protein context (NP_000341.2, residues 1643-1663): LPKDRSPEEY[Gly1653Arg]ITVISQPLNL